The following is an entry in ClinVar:

NM_001303457.2(TTI1):c.1901T>C (p.Ile634Thr)

Gene: TTI1 (TELO2 interacting protein 1; minus strand). Cytogenetic location: 20q11.23.
Variant type: single nucleotide variant.
Coding change: c.1901T>C on transcript NM_001303457.2 (MANE Select); coding-DNA position 1901, T replaced by C.
Protein change: p.Ile634Thr; replaces isoleucine 634 with threonine.
Molecular consequence: missense variant.
Genome position (GRCh38, 1-based): chr20:38,011,916, A>G on the plus strand (T>C on the coding strand, the complement: TTI1 is on the minus strand). VCF-style: chr20-38011916-A-G. GRCh37 (hg19) VCF-style: chr20-36640318-A-G.
Other names: c.1901T>C, p.Ile634Thr (NM_014657.3); short protein forms I634T.
Identifiers: ClinVar variation 3365191 (VCV003365191.2).

ClinVar aggregate classification (germline): Uncertain significance. Review status: criteria provided, multiple submitters, no conflicts (2 of 4 stars). 2 submissions from 2 submitters: Uncertain significance (2). Last evaluated 2025-08-04.

Conditions:
Neurodevelopmental disorder with microcephaly and movement abnormalities (NEDMIM). Identifiers: MedGen C5830624, MONDO:0957531, OMIM 620445.

Submissions (2):

3billion
Classification: Uncertain significance for Neurodevelopmental disorder with microcephaly and movement abnormalities. Last evaluated: 2025-08-04. Review status: criteria provided, single submitter. Criteria: ACMG Guidelines, 2015. Collection method: clinical testing. Allele origin: germline. Affected: yes.
Comment: The variant is observed at an extremely low frequency in the gnomAD v4.1.0 dataset (total allele frequency: <0.001%). Predicted Consequence/Location: Missense variant. Missense changes are a common disease-causing mechanism. In silico tool predictions suggest damaging effect of the variant on gene or gene product [REVEL: 0.65 (>=0.6, sensitivity 0.68 and specificity 0.92)]. The same nucleotide change resulting in the same amino acid change has been previously reported to be associated with TTI1-related disorder (PMID: 36724785). Therefore, this variant is classified as VUS according to the recommendation of ACMG/AMP guideline.

GeneDx
Classification: Uncertain significance. Last evaluated: 2023-12-02. Review status: criteria provided, single submitter. Criteria: GeneDx Variant Classification Process June 2021. Collection method: clinical testing. Allele origin: germline. Affected: yes.
Comment: In silico analysis supports that this missense variant has a deleterious effect on protein structure/function; This variant is associated with the following publications: (PMID: 36724785)

Literature cited by the submitters: PubMed 36724785 (cited by 3billion).